The following is an entry in ClinVar:

ClinVar aggregate classification (germline): Uncertain significance (1 of 4 stars; one submission).

Conditions:
Retinitis pigmentosa 73 (RP73). Identifiers: Orphanet 791, MedGen C4225287, MONDO:0014687, OMIM 616544.
Mucopolysaccharidosis, MPS-III-C (MPS3C). Also called: MPS IIIC (Sanfilippo Syndrome Type C); MUCOPOLYSACCHARIDOSIS, TYPE IIIC; Mucopolysaccharidosis type IIIC (Sanfilippo C); SANFILIPPO SYNDROME C; MPS III C; mucopolysaccharidosis type 3C. Identifiers: Orphanet 581, Orphanet 79271, MedGen C0086649, MONDO:0009657, OMIM 252930.

Allele frequency attached by ClinVar (database versions not stated): gnomAD 0.00001 and 0.00003; gnomAD exomes below 0.00001; TOPMed 0.00005.
gnomAD v4.1: 5 of 1,613,808 alleles (0.00031%); highest among the groups gnomAD compares: African/African-American, 0.0053%; no homozygotes.

Submission:

Labcorp Genetics (formerly Invitae), Labcorp
Classification: Uncertain significance for Retinitis pigmentosa 73; Mucopolysaccharidosis, MPS-III-C. Last evaluated: 2021-09-24. Review status: criteria provided, single submitter. Criteria: Invitae Variant Classification Sherloc (09022015). Collection method: clinical testing. Allele origin: germline.
Comment: This sequence change replaces leucine with phenylalanine at codon 365 of the HGSNAT protein (p.Leu365Phe). The leucine residue is moderately conserved and there is a small physicochemical difference between leucine and phenylalanine. This variant is not present in population databases (ExAC no frequency). This variant has not been reported in the literature in individuals with HGSNAT-related conditions. Advanced modeling of protein sequence and biophysical properties (such as structural, functional, and spatial information, amino acid conservation, physicochemical variation, residue mobility, and thermodynamic stability) performed at Invitae indicates that this missense variant is not expected to disrupt HGSNAT protein function. In summary, the available evidence is currently insufficient to determine the role of this variant in disease. Therefore, it has been classified as a Variant of Uncertain Significance.

NM_152419.3(HGSNAT):c.1093C>T (p.Leu365Phe)

Gene: HGSNAT (heparan-alpha-glucosaminide N-acetyltransferase; plus strand). Cytogenetic location: 8p11.21.
Variant type: single nucleotide variant.
Coding change: c.1093C>T on transcript NM_152419.3 (MANE Select); coding-DNA position 1093, C replaced by T.
Protein change: p.Leu365Phe; replaces leucine 365 with phenylalanine.
Molecular consequence: missense variant.
Genome position (GRCh38, 1-based): chr8:43,182,225, C>T. VCF-style: chr8-43182225-C-T. GRCh37 (hg19) VCF-style: chr8-43037368-C-T.
Other names: c.1093C>T, p.Leu365Phe (NM_001363227.2); c.901C>T, p.Leu301Phe (NM_001363228.2); c.229C>T, p.Leu77Phe (NM_001363229.2); short protein forms L77F, L301F, L365F.
Identifiers: ClinVar variation 1358335 (VCV001358335.5), dbSNP rs995331214, ClinGen allele CA176069415.